The following is an entry in ClinVar:

ClinVar aggregate classification (germline): Uncertain significance. Review status: criteria provided, multiple submitters, no conflicts (2 of 4 stars). 2 submissions from 2 submitters: Uncertain significance (2). Last evaluated 2025-09-24.

Conditions:
Autosomal dominant childhood-onset proximal spinal muscular atrophy with contractures (SMALED2A). Also called: SPINAL MUSCULAR ATROPHY, LOWER EXTREMITY-PREDOMINANT, 2A, CHILDHOOD ONSET, AUTOSOMAL DOMINANT; Spinal muscular atrophy, lower extremity-predominant, 2A, autosomal dominant. Identifiers: Orphanet 363447, Orphanet 363454, MedGen C4747715, MONDO:0014121, OMIM 615290.

gnomAD v4.1: 2 of 1,614,206 alleles (0.00012%); highest among the groups gnomAD compares: Non-Finnish European, 0.00017%; no homozygotes.

Submissions (2):

Women's Health and Genetics/Laboratory Corporation of America, LabCorp
Classification: Uncertain significance. Last evaluated: 2025-09-24. Review status: criteria provided, single submitter. Criteria: LabCorp Variant Classification Summary - May 2015. Collection method: clinical testing. Allele origin: germline.
Comment: Variant summary: BICD2 c.953C>T (p.Ser318Phe) results in a non-conservative amino acid change in the encoded protein sequence. Algorithms developed to predict the effect of missense changes on protein structure and function are either unavailable or do not agree on the potential impact of this missense change. The variant was absent in 251388 control chromosomes. The available data on variant occurrences in the general population are insufficient to allow any conclusion about variant significance. To our knowledge, no occurrence of c.953C>T in individuals affected with BICD2-related conditions and no experimental evidence demonstrating its impact on protein function have been reported. ClinVar contains an entry for this variant (Variation ID: 2038292). Based on the evidence outlined above, the variant was classified as uncertain significance.

Labcorp Genetics (formerly Invitae), Labcorp
Classification: Uncertain significance for Autosomal dominant childhood-onset proximal spinal muscular atrophy with contractures. Last evaluated: 2022-05-07. Review status: criteria provided, single submitter. Criteria: Invitae Variant Classification Sherloc (09022015). Collection method: clinical testing. Allele origin: germline.
Comment: This sequence change replaces serine, which is neutral and polar, with phenylalanine, which is neutral and non-polar, at codon 318 of the BICD2 protein (p.Ser318Phe). This variant is not present in population databases (gnomAD no frequency). This variant has not been reported in the literature in individuals affected with BICD2-related conditions. In summary, the available evidence is currently insufficient to determine the role of this variant in disease. Therefore, it has been classified as a Variant of Uncertain Significance. Advanced modeling of protein sequence and biophysical properties (such as structural, functional, and spatial information, amino acid conservation, physicochemical variation, residue mobility, and thermodynamic stability) performed at Invitae indicates that this missense variant is not expected to disrupt BICD2 protein function.

NM_001003800.2(BICD2):c.953C>T (p.Ser318Phe)

Gene: BICD2 (BICD cargo adaptor 2; minus strand). Cytogenetic location: 9q22.31.
Variant type: single nucleotide variant.
Coding change: c.953C>T on transcript NM_001003800.2 (MANE Select); coding-DNA position 953, C replaced by T.
Protein change: p.Ser318Phe; replaces serine 318 with phenylalanine.
Molecular consequence: missense variant.
Genome position (GRCh38, 1-based): chr9:92,720,409, G>A on the plus strand (C>T on the coding strand, the complement: BICD2 is on the minus strand). VCF-style: chr9-92720409-G-A. GRCh37 (hg19) VCF-style: chr9-95482691-G-A.
Other names: c.953C>T, p.Ser318Phe (NM_015250.4); short protein forms S318F.
Identifiers: ClinVar variation 2038292 (VCV002038292.5), dbSNP rs757281343, ClinGen allele CA374042838.